The following is an entry in ClinVar:

ClinVar aggregate classification (germline): Likely benign. Review status: criteria provided, multiple submitters, no conflicts (2 of 4 stars). 3 submissions from 3 submitters: Likely benign (3). Last evaluated 2025-10-01.

Conditions:
Retinal dystrophy. Also called: Inherited retinal dystrophy. Identifiers: Orphanet 71862, MedGen C0854723, MeSH D058499, MONDO:0019118, HP:0000556.

Allele frequency attached by ClinVar (database versions not stated): gnomAD exomes 0.00001; ExAC 0.00002.

Submissions (3):

CeGaT Center for Human Genetics Tuebingen
Classification: Likely benign. Last evaluated: 2025-10-01. Review status: criteria provided, single submitter. Criteria: CeGaT Center For Human Genetics Tuebingen Variant Classification Criteria Version 2. Collection method: clinical testing. Allele origin: germline. Affected: yes. Observed: 1 variant allele.
Comment: RP1L1: BP4, BP7

Dept Of Ophthalmology, Nagoya University
Classification: Likely benign for Retinal dystrophy. Last evaluated: 2023-10-01. Review status: criteria provided, single submitter. Criteria: Submitter's publication. Collection method: research. Allele origin: germline. Affected: yes.

Blueprint Genetics
Classification: Likely benign. Last evaluated: 2022-08-17. Review status: criteria provided, single submitter. Criteria: ACMG Guidelines, 2015. Collection method: clinical testing. Allele origin: germline.

NM_178857.6(RP1L1):c.6618A>G (p.Gln2206=)

Gene: RP1L1 (RP1 like 1). Cytogenetic location: 8p23.1.
Variant type: single nucleotide variant.
Coding change: c.6618A>G on transcript NM_178857.6 (MANE Select); coding-DNA position 6618, A replaced by G.
Protein change: p.Gln2206=; no amino-acid change (glutamine 2206 retained).
Molecular consequence: synonymous variant.
Genome position (GRCh38, 1-based): chr8:10,607,480, T>C on the plus strand (A>G on the coding strand, the complement: RP1L1 is on the minus strand). VCF-style: chr8-10607480-T-C. GRCh37 (hg19) VCF-style: chr8-10464990-T-C.
Identifiers: ClinVar variation 3027947 (VCV003027947.8), dbSNP rs1343757180, ClinGen allele CA4623238.